The following is an entry in ClinVar:

NM_000540.3(RYR1):c.14542G>C (p.Val4848Leu)

Gene: RYR1 (ryanodine receptor 1; plus strand). Cytogenetic location: 19q13.2.
Variant type: single nucleotide variant.
Coding change: c.14542G>C on transcript NM_000540.3 (MANE Select); coding-DNA position 14542, G replaced by C.
Protein change: p.Val4848Leu; replaces valine 4848 with leucine.
Molecular consequence: missense variant.
Genome position (GRCh38, 1-based): chr19:38,580,400, G>C. VCF-style: chr19-38580400-G-C. GRCh37 (hg19) VCF-style: chr19-39071040-G-C.
Other names: c.14527G>C, p.Val4843Leu (NM_001042723.2); short protein forms V4843L, V4848L.
Identifiers: ClinVar variation 1333731 (VCV001333731.6), dbSNP rs2145896441, ClinGen allele CA405687650.

ClinVar aggregate classification (germline): Uncertain significance. Review status: criteria provided, multiple submitters, no conflicts (2 of 4 stars). 2 submissions from 2 submitters: Uncertain significance (2). Last evaluated 2022-01-04.

Conditions:
Congenital multicore myopathy with external ophthalmoplegia (CMYO1B). Also called: Congenital myopathy 1B, autosomal recessive; Minicore myopathy; MULTICORE MYOPATHY; MULTIMINICORE DISEASE WITH EXTERNAL OPHTHALMOPLEGIA; Minicore myopathy with external ophthalmoplegia. Identifiers: Orphanet 598, Orphanet 98905, MedGen C1850674, MONDO:0009712, OMIM 255320, HP:0003789.
RYR1-related disorder. Also called: RYR1-related condition; RYR1-related disorders. Identifiers: MedGen CN239331.

Submissions (2):

Labcorp Genetics (formerly Invitae), Labcorp
Classification: Uncertain significance for RYR1-related disorder. Last evaluated: 2022-01-04. Review status: criteria provided, single submitter. Criteria: Invitae Variant Classification Sherloc (09022015). Collection method: clinical testing. Allele origin: germline.
Comment: In summary, the available evidence is currently insufficient to determine the role of this variant in disease. Therefore, it has been classified as a Variant of Uncertain Significance. Advanced modeling of protein sequence and biophysical properties (such as structural, functional, and spatial information, amino acid conservation, physicochemical variation, residue mobility, and thermodynamic stability) performed at Invitae indicates that this missense variant is expected to disrupt RYR1 protein function. This variant has not been reported in the literature in individuals affected with RYR1-related conditions. This variant is not present in population databases (gnomAD no frequency). This sequence change replaces valine, which is neutral and non-polar, with leucine, which is neutral and non-polar, at codon 4848 of the RYR1 protein (p.Val4848Leu).

CENTOGENE GmbH and LLC - Guiding Precision Medicine
Classification: Uncertain significance for Congenital multicore myopathy with external ophthalmoplegia. Last evaluated: 2020-10-02. Review status: criteria provided, single submitter. Criteria: ACMG Guidelines, 2015. Collection method: clinical testing. Allele origin: germline. Affected: yes.